The following is an entry in ClinVar:

NM_017636.4(TRPM4):c.1682A>C (p.Asp561Ala)

Gene: TRPM4 (transient receptor potential cation channel subfamily M member 4; plus strand). Cytogenetic location: 19q13.33.
Variant type: single nucleotide variant.
Coding change: c.1682A>C on transcript NM_017636.4 (MANE Select); coding-DNA position 1682, A replaced by C.
Protein change: p.Asp561Ala; replaces aspartic acid 561 with alanine.
Molecular consequence: missense variant.
Genome position (GRCh38, 1-based): chr19:49,183,151, A>C. VCF-style: chr19-49183151-A-C. GRCh37 (hg19) VCF-style: chr19-49686408-A-C.
Other names: c.1682A>C, p.Asp561Ala (NM_001195227.2); c.1337A>C, p.Asp446Ala (NM_001321281.2); c.74A>C, p.Asp25Ala (NM_001321282.2); c.1160A>C, p.Asp387Ala (NM_001321283.2); c.620A>C, p.Asp207Ala (NM_001321285.2); short protein forms D561A, D446A, D387A, D25A, D207A.
Identifiers: ClinVar variation 180563 (VCV000180563.61), dbSNP rs56355369, ClinGen allele CA346739.

ClinVar aggregate classification (germline): Benign/Likely benign. Review status: criteria provided, multiple submitters, no conflicts (2 of 4 stars). 12 submissions from 12 submitters: Benign (4); Likely benign (7). 1 of the submissions does not count toward it. Last evaluated 2026-02-04.

Conditions:
Cardiovascular phenotype. Identifiers: MedGen CN230736.
TRPM4-related disorder. Also called: TRPM4-related condition; TRPM4-related disorders. Identifiers: MedGen CN239424.
Cardiomyopathy (CMYO). Also called: Cardiomyopathies. Identifiers: Orphanet 167848, MedGen C0878544, MONDO:0004994, HP:0001638. Inheritance: Various modes of inheritance.
Arrhythmogenic right ventricular cardiomyopathy (ARVD). Also called: Arrhythmogenic cardiomyopathy; Arrhythmogenic Right Ventricular Cardiomyopathy (ARVC); Cardiomyopathy, ARVC; Arrhythmogenic right ventricular dysplasia. Identifiers: Orphanet 247, MedGen C0349788, MeSH D019571, MONDO:0016587. Disease mechanism: loss of function. Inheritance: Various modes of inheritance.
Progressive familial heart block type IB (PFHB1B). Identifiers: Orphanet 871, MedGen C1970298, MONDO:0011474, OMIM 604559.

Allele frequency attached by ClinVar (database versions not stated): 1000 Genomes Project 0.00080; 1000 Genomes Project 30x 0.00109; TOPMed 0.00351; gnomAD exomes 0.00357 and 0.00612; gnomAD 0.00371 and 0.00373; ESP Exome Variant Server 0.00392; ExAC 0.00414.
gnomAD v4.1: 9,499 of 1,614,014 alleles (0.59%); highest among the groups gnomAD compares: Non-Finnish European, 0.73%; 53 homozygotes.

Submissions (12):

Labcorp Genetics (formerly Invitae), Labcorp
Classification: Benign for Progressive familial heart block type IB. Last evaluated: 2026-02-04. Review status: criteria provided, single submitter. Criteria: Invitae Variant Classification Sherloc (09022015). Collection method: clinical testing. Allele origin: germline.

CeGaT Center for Human Genetics Tuebingen
Classification: Likely benign. Last evaluated: 2025-09-01. Review status: criteria provided, single submitter. Criteria: CeGaT Center For Human Genetics Tuebingen Variant Classification Criteria Version 2. Collection method: clinical testing. Allele origin: germline. Affected: yes. Observed: 2 variant alleles.
Comment: TRPM4: BS2

Molecular Diagnostic Laboratory for Inherited Cardiovascular Disease, Montreal Heart Institute
Classification: Likely benign. Last evaluated: 2025-07-24. Review status: criteria provided, single submitter. Criteria: ACMG Guidelines, 2015. Collection method: clinical testing. Allele origin: germline. Affected: no.
Comment: BS1;BS2

Blueprint Genetics
Classification: Likely benign. Last evaluated: 2024-11-27. Review status: criteria provided, single submitter. Criteria: ACMG Guidelines, 2015. Collection method: clinical testing. Allele origin: germline.

Women's Health and Genetics/Laboratory Corporation of America, LabCorp
Classification: Likely benign. Last evaluated: 2024-06-09. Review status: criteria provided, single submitter. Criteria: LabCorp Variant Classification Summary - May 2015. Collection method: clinical testing. Allele origin: germline.

ARUP Laboratories, Molecular Genetics and Genomics, ARUP Laboratories
Classification: Likely benign. Last evaluated: 2023-11-07. Review status: criteria provided, single submitter. Criteria: ARUP Molecular Germline Variant Investigation Process 2024. Collection method: clinical testing. Allele origin: germline.

Center for Advanced Laboratory Medicine, UC San Diego Health, University of California San Diego
Classification: Benign for Arrhythmogenic right ventricular cardiomyopathy; Cardiomyopathy. Last evaluated: 2019-03-18. Review status: criteria provided, single submitter. Criteria: ACMG Guidelines, 2015. Collection method: clinical testing. Allele origin: germline. Affected: yes. Observed: 2 variant alleles.

Ambry Genetics
Classification: Benign for Cardiovascular phenotype. Last evaluated: 2018-07-25. Review status: criteria provided, single submitter. Criteria: Ambry Variant Classification Scheme 2023. Collection method: clinical testing. Allele origin: germline.

Illumina Laboratory Services, Illumina
Classification: Likely benign for Progressive familial heart block type IB. Last evaluated: 2018-01-13. Review status: criteria provided, single submitter. Criteria: ICSL Variant Classification Criteria 13 December 2019. Collection method: clinical testing. Allele origin: germline.
Comment: This variant was observed in the ICSL laboratory as part of a predisposition screen in an ostensibly healthy population. It had not been previously curated by ICSL or reported in the Human Gene Mutation Database (HGMD: prior to June 1st, 2018), and was therefore a candidate for classification through an automated scoring system. Utilizing variant allele frequency, disease prevalence and penetrance estimates, and inheritance mode, an automated score was calculated to assess if this variant is too frequent to cause the disease. Based on the score and internal cut-off values, a variant classified as likely benign is not then subjected to further curation. The score for this variant resulted in a classification of likely benign for this disease.

GeneDx
Classification: Benign. Last evaluated: 2016-11-29. Review status: criteria provided, single submitter. Criteria: GeneDx Variant Classification (06012015). Collection method: clinical testing. Allele origin: germline. Affected: yes.
Comment: This variant is considered likely benign or benign based on one or more of the following criteria: it is a conservative change, it occurs at a poorly conserved position in the protein, it is predicted to be benign by multiple in silico algorithms, and/or has population frequency not consistent with disease.

Breakthrough Genomics
Classification: Likely benign. Review status: criteria provided, single submitter. Criteria: ACMG Guidelines, 2015. Collection method: not provided. Allele origin: germline. Inheritance: Autosomal dominant inheritance. Affected: yes.

PreventionGenetics, part of Exact Sciences
Classification: Benign for TRPM4-related condition. Last evaluated: 2019-05-22. Review status: no assertion criteria provided. Collection method: clinical testing. Allele origin: germline. Not counted in ClinVar's aggregate classification.
Comment: This variant is classified as benign based on ACMG/AMP sequence variant interpretation guidelines (Richards et al. 2015 PMID: 25741868, with internal and published modifications).

Literature cited by the submitters: PubMed 21887725 (cited by Ambry Genetics); PubMed 26820365 (cited by Ambry Genetics).